The following is an entry in ClinVar:

ClinVar aggregate classification (germline): Likely pathogenic (1 of 4 stars; one submission).

Submission:

Labcorp Genetics (formerly Invitae), Labcorp
Classification: Likely pathogenic. Last evaluated: 2019-12-03. Review status: criteria provided, single submitter. Criteria: Invitae Variant Classification Sherloc (09022015). Collection method: clinical testing. Allele origin: germline.
Comment: In summary, the currently available evidence indicates that the variant is pathogenic, but additional data are needed to prove that conclusively. Therefore, this variant has been classified as Likely Pathogenic. This variant disrupts the p.Ala275 amino acid residue in MLC1. Other variant(s) that disrupt this residue have been determined to be pathogenic (PMID: 28840990, 25796299, 16470554). This suggests that this residue is clinically significant, and that variants that disrupt this residue are likely to be disease-causing. This variant has been reported to affect MLC1 protein function (PMID: 22416245). This variant has been observed in individual(s) with megalencephalic leukoencephalopathy with subcortical cysts (PMID: 21160490). In at least one individual the data is consistent with the variant being in trans (on the opposite chromosome) from a pathogenic variant. This variant is not present in population databases (ExAC no frequency). This sequence change replaces alanine with threonine at codon 275 of the MLC1 protein (p.Ala275Thr). The alanine residue is highly conserved and there is a small physicochemical difference between alanine and threonine.

Literature cited by the submitters: PubMed 28840990; PubMed 25796299; PubMed 16470554; PubMed 22416245; PubMed 21160490.

NM_015166.4(MLC1):c.823G>A (p.Ala275Thr)

Gene: MLC1 (modulator of VRAC current 1; minus strand). Cytogenetic location: 22q13.33.
Variant type: single nucleotide variant.
Coding change: c.823G>A on transcript NM_015166.4 (MANE Select); coding-DNA position 823, G replaced by A.
Protein change: p.Ala275Thr; replaces alanine 275 with threonine.
Molecular consequence: missense variant. On other transcripts: non-coding transcript variant (3).
Genome position (GRCh38, 1-based): chr22:50,068,504, C>T on the plus strand (G>A on the coding strand, the complement: MLC1 is on the minus strand). VCF-style: chr22-50068504-C-T. GRCh37 (hg19) VCF-style: chr22-50506933-C-T.
Other names: c.823G>A, p.Ala275Thr (NM_001376472.1, NM_001376473.1, NM_001376474.1 and 5 more transcripts); c.766G>A, p.Ala256Thr (NM_001376479.1); c.733G>A, p.Ala245Thr (NM_001376480.1); c.721G>A, p.Ala241Thr (NM_001376481.1); c.667G>A, p.Ala223Thr (NM_001376482.1, NM_001376483.1); c.586G>A, p.Ala196Thr (NM_001376484.1); short protein forms A196T, A223T, A256T, A275T, A241T, A245T.
Identifiers: ClinVar variation 836275 (VCV000836275.9), dbSNP rs2061767463, ClinGen allele CA412107724.